The following is an entry in ClinVar:

ClinVar aggregate classification (germline): Conflicting classifications of pathogenicity. Review status: criteria provided, conflicting classifications (1 of 4 stars). 2 submissions from 2 submitters: Uncertain significance (1); Likely benign (1). Last evaluated 2025-06-22.

Conditions:
Marfan syndrome (MFS). Also called: FBN1-Related Marfan Syndrome; MARFAN SYNDROME, TYPE I; Marfan syndrome type 1; Marfan's syndrome; Marfan syndrome, classic. Identifiers: Orphanet 284963, Orphanet 558, MedGen C0024796, MONDO:0007947, OMIM 154700.
Familial thoracic aortic aneurysm and aortic dissection (TAAD). Also called: Thoracic aortic aneurysms and dissections. Identifiers: Orphanet 91387, MedGen C4707243, MONDO:0019625.

gnomAD v4.1: 2 of 1,613,044 alleles (0.00012%); highest among the groups gnomAD compares: Non-Finnish European, 0.00017%; no homozygotes.

Submissions (2):

Labcorp Genetics (formerly Invitae), Labcorp
Classification: Likely benign for Marfan syndrome; Familial thoracic aortic aneurysm and aortic dissection. Last evaluated: 2025-06-22. Review status: criteria provided, single submitter. Criteria: Invitae Variant Classification Sherloc (09022015). Collection method: clinical testing. Allele origin: germline.

All of Us Research Program, National Institutes of Health
Classification: Uncertain significance for Marfan syndrome. Last evaluated: 2023-05-16. Review status: criteria provided, single submitter. Criteria: ACMG Guidelines, 2015. Collection method: clinical testing. Allele origin: germline. Inheritance: Autosomal dominant inheritance. Observed: 3 variant alleles, 3 heterozygotes.
Comment: This missense variant replaces arginine with leucine at codon 429 of the FBN1 protein. Computational prediction suggests that this variant may not impact protein structure and function (internally defined REVEL score threshold <= 0.5, PMID: 27666373). To our knowledge, functional studies have not been reported for this variant. This variant has not been reported in individuals affected with FBN1-related disorders in the literature. This variant has been identified in 2/282590 chromosomes in the general population by the Genome Aggregation Database (gnomAD). The available evidence is insufficient to determine the role of this variant in disease conclusively. Therefore, this variant is classified as a Variant of Uncertain Significance.

This study involves interpretation of variants in research participants for the purpose of population health screening. Participant phenotype was not available at the time of variant classification. Additional details can be found in publication PMID: 35346344, PMCID: PMC8962531

NM_000138.5(FBN1):c.1286G>T (p.Arg429Leu)

Gene: FBN1 (fibrillin 1; minus strand). Cytogenetic location: 15q21.1.
Variant type: single nucleotide variant.
Coding change: c.1286G>T on transcript NM_000138.5 (MANE Select); coding-DNA position 1286, G replaced by T.
Protein change: p.Arg429Leu; replaces arginine 429 with leucine.
Molecular consequence: missense variant.
Genome position (GRCh38, 1-based): chr15:48,516,224, C>A on the plus strand (G>T on the coding strand, the complement: FBN1 is on the minus strand). VCF-style: chr15-48516224-C-A. GRCh37 (hg19) VCF-style: chr15-48808421-C-A.
Other names: short protein forms R429L.
Identifiers: ClinVar variation 1051880 (VCV001051880.10), dbSNP rs368089138, ClinGen allele CA392345455.